The following is an entry in ClinVar:

ClinVar aggregate classification (germline): Uncertain significance (1 of 4 stars; one submission).

Conditions:
WDR26-related disorder. Also called: WDR26-related condition.

Allele frequency attached by ClinVar (database versions not stated): gnomAD exomes 0.00001.
gnomAD v4.1: 10 of 1,529,656 alleles (0.00065%); highest among the groups gnomAD compares: Non-Finnish European, 0.0007%; no homozygotes.

Submission:

PreventionGenetics, part of Exact Sciences
Classification: Uncertain significance for WDR26-related condition. Last evaluated: 2022-12-01. Review status: criteria provided, single submitter. Criteria: ACMG Guidelines, 2015. Collection method: clinical testing. Allele origin: germline.
Comment: The WDR26 c.128C>T variant is predicted to result in the amino acid substitution p.Ser43Phe. To our knowledge, this variant has not been reported in the literature. This variant is reported in 0.0094% of alleles in individuals of East Asian descent in gnomAD. At this time, the clinical significance of this variant is uncertain due to the absence of conclusive functional and genetic evidence.

NM_001379403.1(WDR26):c.428C>T (p.Ser143Phe)

Gene: WDR26 (WD repeat domain 26; minus strand). Cytogenetic location: 1q42.12.
Variant type: single nucleotide variant.
Coding change: c.428C>T on transcript NM_001379403.1 (MANE Select); coding-DNA position 428, C replaced by T.
Protein change: p.Ser143Phe; replaces serine 143 with phenylalanine.
Molecular consequence: missense variant.
Genome position (GRCh38, 1-based): chr1:224,433,978, G>A on the plus strand (C>T on the coding strand, the complement: WDR26 is on the minus strand). VCF-style: chr1-224433978-G-A. GRCh37 (hg19) VCF-style: chr1-224621680-G-A.
Other names: c.128C>T, p.Ser43Phe (NM_001115113.3, NM_025160.7); short protein forms S143F, S43F.
Identifiers: ClinVar variation 2637363 (VCV002637363.1), dbSNP rs899164603, ClinGen allele CA344752654.